The following is an entry in ClinVar:

NM_057175.5(NAA15):c.1336T>C (p.Ser446Pro)

Gene: NAA15 (N-alpha-acetyltransferase 15, NatA auxiliary subunit; plus strand). Cytogenetic location: 4q31.1.
Variant type: single nucleotide variant.
Coding change: c.1336T>C on transcript NM_057175.5 (MANE Select); coding-DNA position 1336, T replaced by C.
Protein change: p.Ser446Pro; replaces serine 446 with proline.
Molecular consequence: missense variant.
Genome position (GRCh38, 1-based): chr4:139,359,821, T>C. VCF-style: chr4-139359821-T-C. GRCh37 (hg19) VCF-style: chr4-140280975-T-C.
Other names: c.1336T>C, p.Ser446Pro (NM_001410842.1); short protein forms S446P.
Identifiers: ClinVar variation 3897463 (VCV003897463.1).
Genomic context (GRCh38, chr4:139,359,821, plus strand): 5'-GAAGCTGCAAGGTGGATGGATGAGGCCCAGGCCTTGGACACAGCAGACAGATTTATCAAC[T>C]CCAAATGTGCAAAATACATGCTAAAAGCCAACCTGATTAAAGAAGCTGAAGAAATGTGCT-3'
Protein context (NP_476516.1, residues 436-456): ALDTADRFIN[Ser446Pro]KCAKYMLKAN

ClinVar aggregate classification (germline): Uncertain significance (1 of 4 stars; one submission).

Submission:

GeneDx
Classification: Uncertain significance. Last evaluated: 2024-10-30. Review status: criteria provided, single submitter. Criteria: GeneDx Variant Classification Process June 2021. Collection method: clinical testing. Allele origin: germline. Affected: yes.
Comment: Not observed at significant frequency in large population cohorts (gnomAD); In silico analysis supports that this missense variant has a deleterious effect on protein structure/function; Has not been previously published as pathogenic or benign to our knowledge